The following is an entry in ClinVar:

ClinVar aggregate classification (germline): Benign/Likely benign. Review status: criteria provided, multiple submitters, no conflicts (2 of 4 stars). 3 submissions from 3 submitters: Benign (1); Likely benign (1). 1 of the submissions does not count toward it. Last evaluated 2024-05-03.

Conditions:
MTMR2-related disorder. Also called: MTMR2-related condition.
Charcot-Marie-Tooth disease type 4. Also called: Charcot-Marie-Tooth disease, type IV; Charcot-Marie-Tooth, Type 4. Identifiers: Orphanet 64749, MedGen C4082197, MONDO:0018995.

Allele frequency attached by ClinVar (database versions not stated): gnomAD exomes 0.00024; ExAC 0.00052; ESP Exome Variant Server 0.00240; gnomAD 0.00298 and 0.00319; 1000 Genomes Project 30x 0.00468.

Submissions (3):

Blueprint Genetics
Classification: Likely benign. Last evaluated: 2024-05-03. Review status: criteria provided, single submitter. Criteria: ACMG Guidelines, 2015. Collection method: clinical testing. Allele origin: germline.

Labcorp Genetics (formerly Invitae), Labcorp
Classification: Benign for Charcot-Marie-Tooth disease type 4. Last evaluated: 2022-06-04. Review status: criteria provided, single submitter. Criteria: Invitae Variant Classification Sherloc (09022015). Collection method: clinical testing. Allele origin: germline.

PreventionGenetics, part of Exact Sciences
Classification: Likely benign for MTMR2-related condition. Last evaluated: 2019-09-02. Review status: no assertion criteria provided. Collection method: clinical testing. Allele origin: germline. Not counted in ClinVar's aggregate classification.
Comment: This variant is classified as likely benign based on ACMG/AMP sequence variant interpretation guidelines (Richards et al. 2015 PMID: 25741868, with internal and published modifications).

NM_016156.6(MTMR2):c.1770+7_1770+12del

Gene: MTMR2 (myotubularin related protein 2; minus strand). Cytogenetic location: 11q21.
Variant type: Deletion.
Coding change: c.1770+7_1770+12del on transcript NM_016156.6 (MANE Select); bases 7 to 12 of the intron after coding-DNA position 1770, 6 bases deleted (GCCTTA; older notation c.1770+7_1770+12delGCCTTA).
Molecular consequence: intron variant.
Genome position (GRCh38, 1-based): chr11:95,836,136-95,836,141, TAAGGC deleted on the plus strand (GCCTTA on the coding strand, the reverse complement: MTMR2 is on the minus strand). VCF-style (leftmost placement, unchanged base first): chr11-95836135-GTAAGGC-G. GRCh37 (hg19) VCF-style: chr11-95569299-GTAAGGC-G.
Other names: c.1770+7_1770+12delGCCTTA (NM_016156.5); c.1554+7_1554+12del (NM_201281.3, NM_201278.3, NM_001243571.2); c.1770+7_1770+12del6 (NM_016156.5).
Identifiers: ClinVar variation 543499 (VCV000543499.15), dbSNP rs754608173, ClinGen allele CA6239882.